The following is an entry in ClinVar:

NM_000038.6(APC):c.7222A>T (p.Asn2408Tyr)

Gene: APC (APC regulator of Wnt signaling pathway; plus strand). Cytogenetic location: 5q22.2.
Variant type: single nucleotide variant.
Coding change: c.7222A>T on transcript NM_000038.6 (MANE Select); coding-DNA position 7222, A replaced by T.
Protein change: p.Asn2408Tyr; replaces asparagine 2408 with tyrosine.
Molecular consequence: missense variant.
Genome position (GRCh38, 1-based): chr5:112,842,816, A>T. VCF-style: chr5-112842816-A-T. GRCh37 (hg19) VCF-style: chr5-112178513-A-T.
Other names: c.7222A>T, p.Asn2408Tyr (NM_001127510.3, NM_001354895.2); c.7168A>T, p.Asn2390Tyr (NM_001127511.3); c.7276A>T, p.Asn2426Tyr (NM_001354896.2); c.7252A>T, p.Asn2418Tyr (NM_001354897.2); c.7147A>T, p.Asn2383Tyr (NM_001354898.2); c.7138A>T, p.Asn2380Tyr (NM_001354899.2); c.7099A>T, p.Asn2367Tyr (NM_001354900.2); c.7045A>T, p.Asn2349Tyr (NM_001354901.2); and 5 more; short protein forms N2125Y, N2248Y, N2282Y, N2307Y, N2317Y, N2349Y, N2367Y, N2380Y.
Identifiers: ClinVar variation 1171632 (VCV001171632.3), dbSNP rs2149982385, ClinGen allele CA16037062.

ClinVar aggregate classification (germline): Uncertain significance (1 of 4 stars; one submission).

Conditions:
Hereditary cancer-predisposing syndrome. Also called: Tumor predisposition; Hereditary neoplastic syndrome; Hereditary Cancer Syndrome; Neoplastic Syndromes, Hereditary. Identifiers: Orphanet 140162, MedGen C0027672, MeSH D009386, MONDO:0015356.

Submission:

Color Diagnostics, LLC DBA Color Health
Classification: Uncertain significance for Hereditary cancer-predisposing syndrome. Last evaluated: 2024-03-07. Review status: criteria provided, single submitter. Criteria: ACMG Guidelines, 2015. Collection method: clinical testing. Allele origin: germline.
Comment: This missense variant replaces asparagine with tyrosine at codon 2408 of the APC protein. Computational prediction suggests that this variant may not impact protein structure and function (internally defined REVEL score threshold <= 0.5, PMID: 27666373). To our knowledge, functional studies have not been reported for this variant. This variant has not been reported in individuals affected with hereditary cancer in the literature. This variant has not been identified in the general population by the Genome Aggregation Database (gnomAD). The available evidence is insufficient to determine the role of this variant in disease conclusively. Therefore, this variant is classified as a Variant of Uncertain Significance.